The following is an entry in ClinVar:

ClinVar aggregate classification (germline): Uncertain significance (1 of 4 stars; one submission).

Submission:

Labcorp Genetics (formerly Invitae), Labcorp
Classification: Uncertain significance. Last evaluated: 2023-01-24. Review status: criteria provided, single submitter. Criteria: Invitae Variant Classification Sherloc (09022015). Collection method: clinical testing. Allele origin: germline.
Comment: In summary, the available evidence is currently insufficient to determine the role of this variant in disease. Therefore, it has been classified as a Variant of Uncertain Significance. Advanced modeling of protein sequence and biophysical properties (such as structural, functional, and spatial information, amino acid conservation, physicochemical variation, residue mobility, and thermodynamic stability) performed at Invitae indicates that this missense variant is not expected to disrupt XRCC2 protein function. This variant has not been reported in the literature in individuals affected with XRCC2-related conditions. This variant is not present in population databases (gnomAD no frequency). This sequence change replaces tyrosine, which is neutral and polar, with asparagine, which is neutral and polar, at codon 223 of the XRCC2 protein (p.Tyr223Asn).

NM_005431.2(XRCC2):c.667T>A (p.Tyr223Asn)

Gene: XRCC2 (X-ray repair cross complementing 2; minus strand). Cytogenetic location: 7q36.1.
Variant type: single nucleotide variant.
Coding change: c.667T>A on transcript NM_005431.2 (MANE Select); coding-DNA position 667, T replaced by A.
Protein change: p.Tyr223Asn; replaces tyrosine 223 with asparagine.
Molecular consequence: missense variant.
Genome position (GRCh38, 1-based): chr7:152,648,818, A>T on the plus strand (T>A on the coding strand, the complement: XRCC2 is on the minus strand). VCF-style: chr7-152648818-A-T. GRCh37 (hg19) VCF-style: chr7-152345903-A-T.
Other names: short protein forms Y223N.
Identifiers: ClinVar variation 2802785 (VCV002802785.3), dbSNP rs587780130, ClinGen allele CA370198212.
Genomic context (GRCh38, chr7:152,648,818, plus strand): 5'-TGGAGAAAAACATCCTGTGCTTCACCAGTTGCTGCCATGCCTTACAGAGATAAGGTCTGT[A>T]GTCTATGTCCACATCACACAGTCGTCGAGAGGCATGAGAAGGTTCTTCTGATGAGCTCGA-3'
Protein context (NP_005422.1, residues 213-233): SRRLCDVDID[Tyr223Asn]RPYLCKAWQQ